The following is an entry in ClinVar:

NC_012920.1(MT-ATP6):m.8825T>C

Gene: MT-ATP6 (mitochondrially encoded ATP synthase 6; plus strand).
Variant type: single nucleotide variant.
Genome position: chrM-8825-T-C.
Identifiers: ClinVar variation 692994 (VCV000692994.1), dbSNP rs1603221830, ClinGen allele CA414798310.
Genomic context (GRCh38, chrMT:8,825, plus strand): 5'-CCACAACTAACCTCCTCGGACTCCTGCCTCACTCATTTACACCAACCACCCAACTATCTA[T>C]AAACCTAGCCATGGCCATCCCCTTATGAGCGGGCACAGTGATTATAGGCTTTCGCTCTAA-3'

ClinVar aggregate classification (germline): Uncertain significance (1 of 4 stars; one submission).

Conditions:
Leigh syndrome (NULS). Also called: Leigh's necrotizing encephalopathy; Leigh's disease; Leigh Syndrome (mtDNA deletion); Leigh Disease; Subacute necrotizing encephalopathy; Necrotizing encephalopathy infantile subacute of Leigh. Identifiers: Orphanet 506, MedGen C2931891, MONDO:0009723, OMIM 256000.

Submission:

Wong Mito Lab, Molecular and Human Genetics, Baylor College of Medicine
Classification: Uncertain significance for Leigh syndrome. Last evaluated: 2019-10-17. Review status: criteria provided, single submitter. Criteria: Modified ACMG Guidelines (Unpublished). Collection method: clinical testing. Allele origin: germline.
Comment: The NC_012920.1:m.8825T>C (YP_003024031.1:p.Met100Thr) variant in MTATP6 gene is interpretated to be a Uncertain Significance variant based on the modified ACMG guidelines (unpublished). This variant meets the following evidence codes: PP3, BS4